The following is an entry in ClinVar:

NM_006904.7(PRKDC):c.7733A>G (p.Glu2578Gly)

Gene: PRKDC (protein kinase, DNA-activated, catalytic subunit; minus strand). Cytogenetic location: 8q11.21.
Variant type: single nucleotide variant.
Coding change: c.7733A>G on transcript NM_006904.7 (MANE Select); coding-DNA position 7733, A replaced by G.
Protein change: p.Glu2578Gly; replaces glutamic acid 2578 with glycine.
Molecular consequence: missense variant.
Genome position (GRCh38, 1-based): chr8:47,837,240, T>C on the plus strand (A>G on the coding strand, the complement: PRKDC is on the minus strand). VCF-style: chr8-47837240-T-C. GRCh37 (hg19) VCF-style: chr8-48749801-T-C.
Other names: c.7733A>G, p.Glu2578Gly (NM_001081640.2); short protein forms E2578G.
Identifiers: ClinVar variation 1519514 (VCV001519514.4), dbSNP rs2154499767, ClinGen allele CA371152481.

ClinVar aggregate classification (germline): Uncertain significance (1 of 4 stars; one submission).

Conditions:
Severe combined immunodeficiency due to DNA-PKcs deficiency. Also called: IMMUNODEFICIENCY 26 WITH NEUROLOGIC ABNORMALITIES; Immunodeficiency 26 with or without neurologic abnormalities. Identifiers: Orphanet 317425, MedGen C4014833, MONDO:0014423, OMIM 615966.

gnomAD v4.1: 1 of 1,613,864 alleles (0.000062%); highest among the groups gnomAD compares: Non-Finnish European, 0.000085%; no homozygotes.

Submission:

Labcorp Genetics (formerly Invitae), Labcorp
Classification: Uncertain significance for Severe combined immunodeficiency due to DNA-PKcs deficiency. Last evaluated: 2024-01-22. Review status: criteria provided, single submitter. Criteria: Invitae Variant Classification Sherloc (09022015). Collection method: clinical testing. Allele origin: germline.
Comment: This sequence change replaces glutamic acid, which is acidic and polar, with glycine, which is neutral and non-polar, at codon 2578 of the PRKDC protein (p.Glu2578Gly). This variant is not present in population databases (gnomAD no frequency). This variant has not been reported in the literature in individuals affected with PRKDC-related conditions. ClinVar contains an entry for this variant (Variation ID: 1519514). Advanced modeling of protein sequence and biophysical properties (such as structural, functional, and spatial information, amino acid conservation, physicochemical variation, residue mobility, and thermodynamic stability) performed at Invitae indicates that this missense variant is expected to disrupt PRKDC protein function with a positive predictive value of 80%. In summary, the available evidence is currently insufficient to determine the role of this variant in disease. Therefore, it has been classified as a Variant of Uncertain Significance.